The following is an entry in ClinVar:

NM_000081.4(LYST):c.6142A>G (p.Lys2048Glu)

Gene: LYST (lysosomal trafficking regulator; minus strand). Cytogenetic location: 1q42.3.
Variant type: single nucleotide variant.
Coding change: c.6142A>G on transcript NM_000081.4 (MANE Select); coding-DNA position 6142, A replaced by G.
Protein change: p.Lys2048Glu; replaces lysine 2048 with glutamic acid.
Molecular consequence: missense variant.
Genome position (GRCh38, 1-based): chr1:235,762,831, T>C on the plus strand (A>G on the coding strand, the complement: LYST is on the minus strand). VCF-style: chr1-235762831-T-C. GRCh37 (hg19) VCF-style: chr1-235926131-T-C.
Other names: c.6142A>G, p.Lys2048Glu (NM_001301365.1); short protein forms K2048E.
Identifiers: ClinVar variation 2500057 (VCV002500057.1), dbSNP rs1325836778, ClinGen allele CA344945711.

ClinVar aggregate classification (germline): Uncertain significance (1 of 4 stars; one submission).

Conditions:
Chédiak-Higashi syndrome (CHS). Also called: Chediak-Higashi Syndrome. Identifiers: Orphanet 167, MedGen C0007965, MONDO:0008963, OMIM 214500.

Allele frequency attached by ClinVar (database versions not stated): gnomAD exomes 0.00001.
gnomAD v4.1: 7 of 1,613,482 alleles (0.00043%); highest among the groups gnomAD compares: African/African-American, 0.0013%; no homozygotes.

Submission:

Center for Genomics, Ann and Robert H. Lurie Children's Hospital of Chicago
Classification: Uncertain significance for Chédiak-Higashi syndrome. Last evaluated: 2022-04-29. Review status: criteria provided, single submitter. Criteria: ACMG Guidelines, 2015. Collection method: clinical testing. Allele origin: germline.
Comment: This variant has not been reported in the literature and is not present in large control databases. Evolutionary conservation and computational predictive tools suggest that this variant may not impact the protein. In summary, data on this variant is insufficient for disease classification. Therefore, the clinical significance of this variant is uncertain.